The following is an entry in ClinVar:

NM_138386.3(NAF1):c.1382T>G (p.Leu461Ter)

Gene: NAF1 (nuclear assembly factor 1 ribonucleoprotein; minus strand). Cytogenetic location: 4q32.2.
Variant type: single nucleotide variant.
Coding change: c.1382T>G on transcript NM_138386.3 (MANE Select); coding-DNA position 1382, T replaced by G.
Protein change: p.Leu461Ter; replaces leucine 461 with a stop codon.
Molecular consequence: nonsense. On other transcripts: intron variant (1).
Genome position (GRCh38, 1-based): chr4:163,129,000, A>C on the plus strand (T>G on the coding strand, the complement: NAF1 is on the minus strand). VCF-style: chr4-163129000-A-C. GRCh37 (hg19) VCF-style: chr4-164050152-A-C.
Other names: c.1034-1885T>G (NM_001128931.2); short protein forms L461*.
Identifiers: ClinVar variation 4807902 (VCV004807902.1).
Genomic context (GRCh38, chr4:163,129,000, plus strand): 5'-GGTGGAGGAGGCAGTGGTGGAGGGGGAGGGGGTGGGGGTAGGGAGTATGGTAAGTTAAGT[A>C]ATGGATGAGCAGCCATGTTTGGTGTAGCCCAACCCATGTTTACAGGTGGGGGTGGTGGTG-3'

ClinVar aggregate classification (germline): Uncertain significance (1 of 4 stars; one submission).

Submission:

Labcorp Genetics (formerly Invitae), Labcorp
Classification: Uncertain significance. Last evaluated: 2025-08-04. Review status: criteria provided, single submitter. Criteria: Invitae Variant Classification Sherloc (09022015). Collection method: clinical testing. Allele origin: germline.
Comment: This sequence change creates a premature translational stop signal (p.Leu461*) in the NAF1 gene. While this is not anticipated to result in nonsense mediated decay, it is expected to disrupt the last 34 amino acid(s) of the NAF1 protein. This variant is not present in population databases (gnomAD no frequency). This variant has not been reported in the literature in individuals affected with NAF1-related conditions. Experimental studies and prediction algorithms are not available or were not evaluated, and the functional significance of this variant is currently unknown. In summary, the available evidence is currently insufficient to determine the role of this variant in disease. Therefore, it has been classified as a Variant of Uncertain Significance.